The following is an entry in ClinVar:

NM_001018115.3(FANCD2):c.2030C>T (p.Pro677Leu)

Genes: FANCD2 (FA complementation group D2; plus strand), LOC107303338 (3p25 FANCD2 Alu-mediated recombination region; plus strand). Cytogenetic location: 3p25.3.
Variant type: single nucleotide variant.
Coding change: c.2030C>T on transcript NM_001018115.3 (MANE Select); coding-DNA position 2030, C replaced by T.
Protein change: p.Pro677Leu; replaces proline 677 with leucine.
Molecular consequence: missense variant.
Genome position (GRCh38, 1-based): chr3:10,064,737, C>T. VCF-style: chr3-10064737-C-T. GRCh37 (hg19) VCF-style: chr3-10106421-C-T.
Other names: c.2030C>T, p.Pro677Leu (NM_001319984.2, NM_001374254.1, NM_033084.6); c.1919C>T, p.Pro640Leu (NM_001374253.1); short protein forms P640L, P677L.
Identifiers: ClinVar variation 1019432 (VCV001019432.9), dbSNP rs2087667280, ClinGen allele CA351732855.
Genomic context (GRCh38, chr3:10,064,737, plus strand): 5'-TAGCCTTGCGTATTCCTGAGCTGCAACATCAGATTCTGGTTTTTCTCCGCAGTGACTTTC[C>T]ATTTCCTGTGAAAGCACTGTACGGACTGGAAGAATACGACACTCAGGATGGGATTGCCAT-3'
Protein context (NP_001018125.1, residues 667-687): DSCVVPEGDF[Pro677Leu]FPVKALYGLE

ClinVar aggregate classification (germline): Uncertain significance. Review status: criteria provided, multiple submitters, no conflicts (2 of 4 stars). 2 submissions from 2 submitters: Uncertain significance (2). Last evaluated 2024-04-23.

Conditions:
Fanconi anemia (FA). Also called: Fanconi's anemia. Identifiers: Orphanet 84, MedGen C0015625, MeSH D005199, MONDO:0019391.
Fanconi anemia complementation group D2. Also called: FANCD2-Related Fanconi Anemia; FANCONI PANCYTOPENIA, TYPE 4; FANCONI ANEMIA, COMPLEMENTATION GROUP D. Identifiers: Orphanet 84, MedGen C3160738, MONDO:0009214, OMIM 227646.

Allele frequency attached by ClinVar (database versions not stated): gnomAD exomes below 0.00001; TOPMed 0.00001.
gnomAD v4.1: 1 of 1,614,166 alleles (0.000062%); highest among the groups gnomAD compares: Non-Finnish European, 0.000085%; no homozygotes.

Submissions (2):

Labcorp Genetics (formerly Invitae), Labcorp
Classification: Uncertain significance for Fanconi anemia. Last evaluated: 2024-04-23. Review status: criteria provided, single submitter. Criteria: Invitae Variant Classification Sherloc (09022015). Collection method: clinical testing. Allele origin: germline.
Comment: This sequence change replaces proline, which is neutral and non-polar, with leucine, which is neutral and non-polar, at codon 677 of the FANCD2 protein (p.Pro677Leu). This variant is not present in population databases (gnomAD no frequency). This variant has not been reported in the literature in individuals affected with FANCD2-related conditions. ClinVar contains an entry for this variant (Variation ID: 1019432). Advanced modeling of protein sequence and biophysical properties (such as structural, functional, and spatial information, amino acid conservation, physicochemical variation, residue mobility, and thermodynamic stability) performed at Invitae indicates that this missense variant is not expected to disrupt FANCD2 protein function with a negative predictive value of 80%. In summary, the available evidence is currently insufficient to determine the role of this variant in disease. Therefore, it has been classified as a Variant of Uncertain Significance.

Fulgent Genetics
Classification: Uncertain significance for Fanconi anemia complementation group D2. Last evaluated: 2021-11-15. Review status: criteria provided, single submitter. Criteria: ACMG Guidelines, 2015. Collection method: clinical testing. Allele origin: unknown.